The following is an entry in ClinVar:

ClinVar aggregate classification (germline): Conflicting classifications of pathogenicity. Review status: criteria provided, conflicting classifications (1 of 4 stars). 4 submissions from 4 submitters: Uncertain significance (1); Likely benign (3). Last evaluated 2026-01-27.

Allele frequency attached by ClinVar (database versions not stated): ExAC 0.00111; ESP Exome Variant Server 0.00123; gnomAD 0.00125 and 0.00137; gnomAD exomes 0.00125 and 0.00200; TOPMed 0.00134.
gnomAD v4.1: 3,115 of 1,613,998 alleles (0.19%); highest among the groups gnomAD compares: Non-Finnish European, 0.24%; 7 homozygotes.

Submissions (4):

Labcorp Genetics (formerly Invitae), Labcorp
Classification: Likely benign. Last evaluated: 2026-01-27. Review status: criteria provided, single submitter. Criteria: Invitae Variant Classification Sherloc (09022015). Collection method: clinical testing. Allele origin: germline.

CeGaT Center for Human Genetics Tuebingen
Classification: Likely benign. Last evaluated: 2025-05-01. Review status: criteria provided, single submitter. Criteria: CeGaT Center For Human Genetics Tuebingen Variant Classification Criteria Version 2. Collection method: clinical testing. Allele origin: germline. Affected: yes. Observed: 1 variant allele.
Comment: SLCO2A1: BP4, BS2

Blueprint Genetics
Classification: Uncertain significance. Last evaluated: 2024-11-26. Review status: criteria provided, single submitter. Criteria: ACMG Guidelines, 2015. Collection method: clinical testing. Allele origin: germline.

Breakthrough Genomics
Classification: Likely benign. Review status: criteria provided, single submitter. Criteria: ACMG Guidelines, 2015. Collection method: not provided. Allele origin: germline. Inheritance: Autosomal recessive inheritance. Affected: yes.

NM_005630.3(SLCO2A1):c.1385A>G (p.Asn462Ser)

Genes: SLCO2A1 (solute carrier organic anion transporter family member 2A1; minus strand), LOC123038185 (Sharpr-MPRA regulatory region 14374; plus strand). Cytogenetic location: 3q22.1.
Variant type: single nucleotide variant.
Coding change: c.1385A>G on transcript NM_005630.3 (MANE Select); coding-DNA position 1385, A replaced by G.
Protein change: p.Asn462Ser; replaces asparagine 462 with serine.
Molecular consequence: missense variant.
Genome position (GRCh38, 1-based): chr3:133,945,171, T>C on the plus strand (A>G on the coding strand, the complement: SLCO2A1 is on the minus strand). VCF-style: chr3-133945171-T-C. GRCh37 (hg19) VCF-style: chr3-133664015-T-C.
Other names: short protein forms N462S.
Identifiers: ClinVar variation 781714 (VCV000781714.21), dbSNP rs150345667, ClinGen allele CA2626483.